The following is an entry in ClinVar:

NM_000090.4(COL3A1):c.4033C>T (p.Leu1345Phe)

Gene: COL3A1 (collagen type III alpha 1 chain; plus strand). Cytogenetic location: 2q32.2.
Variant type: single nucleotide variant.
Coding change: c.4033C>T on transcript NM_000090.4 (MANE Select); coding-DNA position 4033, C replaced by T.
Protein change: p.Leu1345Phe; replaces leucine 1345 with phenylalanine.
Molecular consequence: missense variant.
Genome position (GRCh38, 1-based): chr2:189,010,669, C>T. VCF-style: chr2-189010669-C-T. GRCh37 (hg19) VCF-style: chr2-189875395-C-T.
Other names: short protein forms L1345F.
Identifiers: ClinVar variation 4847568 (VCV004847568.1).
Genomic context (GRCh38, chr2:189,010,669, plus strand): 5'-CTGAAATGTTTGATCTGTTTTATTTGTTCCCTATTACAGTTTAGCTACGGCAATCCTGAA[C>T]TTCCTGAAGATGTCCTTGATGTGCATCTGGCATTCCTTCGACTTCTCTCCAGCCGAGCTT-3'
Protein context (NP_000081.2, residues 1335-1355): GFQFSYGNPE[Leu1345Phe]PEDVLDVHLA

ClinVar aggregate classification (germline): Uncertain significance (1 of 4 stars; one submission).

Submission:

Women's Health and Genetics/Laboratory Corporation of America, LabCorp
Classification: Uncertain significance. Last evaluated: 2026-03-02. Review status: criteria provided, single submitter. Criteria: LabCorp Variant Classification Summary - May 2015. Collection method: clinical testing. Allele origin: germline.
Comment: Variant summary: COL3A1 c.4033C>T (p.Leu1345Phe) results in a non-conservative amino acid change in the encoded protein sequence. Algorithms developed to predict the effect of missense changes on protein structure and function are either unavailable or do not agree on the potential impact of this missense change. The variant was absent in 251346 control chromosomes. The available data on variant occurrences in the general population are insufficient to allow any conclusion about variant significance. To our knowledge, no occurrence of c.4033C>T in individuals affected with COL3A1-related conditions and no experimental evidence demonstrating its impact on protein function have been reported. No submitters have cited clinical-significance assessments for this variant to ClinVar. Based on the evidence outlined above, the variant was classified as uncertain significance.